The following is an entry in ClinVar:

ClinVar aggregate classification (germline): Uncertain significance (1 of 4 stars; one submission).

gnomAD v4.1: 5 of 1,613,682 alleles (0.00031%); highest among the groups gnomAD compares: Admixed American, 0.0017%; no homozygotes.

Submission:

Women's Health and Genetics/Laboratory Corporation of America, LabCorp
Classification: Uncertain significance. Last evaluated: 2024-10-04. Review status: criteria provided, single submitter. Criteria: LabCorp Variant Classification Summary - May 2015. Collection method: clinical testing. Allele origin: germline.
Comment: Variant summary: XPR1 c.929A>G (p.Asn310Ser) results in a conservative amino acid change located in the EXS, C-terminal domain (IPR004342) of the encoded protein sequence. Three of five in-silico tools predict a damaging effect of the variant on protein function. The variant allele was found at a frequency of 8e-06 in 250788 control chromosomes. The available data on variant occurrences in the general population are insufficient to allow any conclusion about variant significance. To our knowledge, no occurrence of c.929A>G in individuals affected with Basal Ganglia Calcification, Idiopathic, 6 and no experimental evidence demonstrating its impact on protein function have been reported. No submitters have cited clinical-significance assessments for this variant to ClinVar. Based on the evidence outlined above, the variant was classified as uncertain significance.

NM_004736.4(XPR1):c.929A>G (p.Asn310Ser)

Gene: XPR1 (xenotropic and polytropic retrovirus receptor 1; plus strand). Cytogenetic location: 1q25.3.
Variant type: single nucleotide variant.
Coding change: c.929A>G on transcript NM_004736.4 (MANE Select); coding-DNA position 929, A replaced by G.
Protein change: p.Asn310Ser; replaces asparagine 310 with serine.
Molecular consequence: missense variant. On other transcripts: non-coding transcript variant (1).
Genome position (GRCh38, 1-based): chr1:180,824,918, A>G. VCF-style: chr1-180824918-A-G. GRCh37 (hg19) VCF-style: chr1-180794054-A-G.
Other names: c.929A>G, p.Asn310Ser (NM_001135669.2, NM_001328662.2); short protein forms N310S.
Identifiers: ClinVar variation 3384930 (VCV003384930.1).